The following is an entry in ClinVar:

ClinVar aggregate classification (germline): Likely benign (1 of 4 stars; one submission).

gnomAD v4.1: 10 of 1,614,110 alleles (0.00062%); highest among the groups gnomAD compares: African/African-American, 0.0093%; no homozygotes.

Submission:

CeGaT Center for Human Genetics Tuebingen
Classification: Likely benign. Last evaluated: 2024-07-01. Review status: criteria provided, single submitter. Criteria: CeGaT Center For Human Genetics Tuebingen Variant Classification Criteria Version 2. Collection method: clinical testing. Allele origin: germline. Affected: yes. Observed: 1 variant allele.
Comment: ARHGAP24: BP4, BP7

NM_001025616.3(ARHGAP24):c.1236G>A (p.Val412=)

Gene: ARHGAP24 (Rho GTPase activating protein 24; plus strand). Cytogenetic location: 4q21.23.
Variant type: single nucleotide variant.
Coding change: c.1236G>A on transcript NM_001025616.3 (MANE Select); coding-DNA position 1236, G replaced by A.
Protein change: p.Val412=; no amino-acid change (valine 412 retained).
Molecular consequence: synonymous variant.
Genome position (GRCh38, 1-based): chr4:85,994,890, G>A. VCF-style: chr4-85994890-G-A. GRCh37 (hg19) VCF-style: chr4-86916043-G-A.
Other names: c.951G>A, p.Val317= (NM_001042669.2); c.981G>A, p.Val327= (NM_001287805.2); c.657G>A, p.Val219= (NM_001346093.2); c.957G>A, p.Val319= (NM_031305.3).
Identifiers: ClinVar variation 3257221 (VCV003257221.17).